The following is an entry in ClinVar:

ClinVar aggregate classification (germline): Pathogenic (1 of 4 stars; one submission).

Conditions:
Werner syndrome (WRN). Identifiers: Orphanet 902, MedGen C0043119, MONDO:0010196, OMIM 277700.

Submission:

Labcorp Genetics (formerly Invitae), Labcorp
Classification: Pathogenic for Werner syndrome. Last evaluated: 2022-09-06. Review status: criteria provided, single submitter. Criteria: Invitae Variant Classification Sherloc (09022015). Collection method: clinical testing. Allele origin: germline.
Comment: This sequence change creates a premature translational stop signal (p.Gln1313Argfs*17) in the WRN gene. It is expected to result in an absent or disrupted protein product. Loss-of-function variants in WRN are known to be pathogenic (PMID: 16673358). This variant is not present in population databases (gnomAD no frequency). This variant has not been reported in the literature in individuals affected with WRN-related conditions. For these reasons, this variant has been classified as Pathogenic.

Literature cited by the submitters: PubMed 16673358.

NM_000553.6(WRN):c.3937del (p.Gln1313fs)

Gene: WRN (WRN RecQ like helicase; plus strand). Cytogenetic location: 8p12.
Variant type: Deletion.
Coding change: c.3937del on transcript NM_000553.6 (MANE Select); coding-DNA position 3937, one base deleted (C; older notation c.3937delC).
Protein change: p.Gln1313fs; shifts the reading frame from glutamine 1313.
Molecular consequence: frameshift variant.
Genome position (GRCh38, 1-based): chr8:31,157,485, C deleted. VCF-style (leftmost placement, unchanged base first): chr8-31157484-TC-T. GRCh37 (hg19) VCF-style: chr8-31015000-TC-T.
Other names: short protein forms Q1313fs.
Identifiers: ClinVar variation 1970034 (VCV001970034.5), dbSNP rs2536061924, ClinGen allele CA2580078138.